The following is an entry in ClinVar:

ClinVar aggregate classification (germline): Likely pathogenic (1 of 4 stars; one submission).

Conditions:
Mendelian susceptibility to mycobacterial diseases due to complete IL12RB1 deficiency. Also called: IL12RB1 DEFICIENCY; Immunodeficiency 30. Identifiers: Orphanet 319552, MedGen C4013949, MONDO:0013955, OMIM 614891.

Allele frequency attached by ClinVar (database versions not stated): TOPMed below 0.00001; gnomAD 0.00001.
gnomAD v4.1: 36 of 1,608,302 alleles (0.0022%); highest among the groups gnomAD compares: South Asian, 0.038%; no homozygotes.

Submission:

Neuberg Centre For Genomic Medicine, NCGM
Classification: Likely pathogenic for Mendelian susceptibility to mycobacterial diseases due to complete IL12RB1 deficiency. Review status: criteria provided, single submitter. Criteria: ACMG Guidelines, 2015. Collection method: clinical testing. Allele origin: germline. Inheritance: Autosomal recessive inheritance. Affected: yes.
Comment: The stop gained variant c.111C>A (p.Tyr37Ter) in IL12RB1 gene has not been reported previously as a pathogenic variant nor as a benign variant, to our knowledge. The p.Tyr37Ter variant is reported with the allele frequency (0.002%) in the gnomAD Exomes and is novel (not in any individuals) in 1000 Genomes. This variant is predicted to cause loss of normal protein function through protein truncation. Loss of function variants have been previously reported to be disease causing. For these reasons, this variant has been classified as Likely Pathogenic.

NM_005535.3(IL12RB1):c.-10C>A

Gene: IL12RB1 (interleukin 12 receptor subunit beta 1; minus strand). Cytogenetic location: 19p13.11.
Variant type: single nucleotide variant.
Coding change: c.-10C>A on transcript NM_005535.3 (MANE Select); 10 bases upstream of the start codon, C replaced by A.
Molecular consequence: 5 prime UTR variant. On other transcripts: nonsense (1).
Genome position (GRCh38, 1-based): chr19:18,086,833, G>T on the plus strand (C>A on the coding strand, the complement: IL12RB1 is on the minus strand). VCF-style: chr19-18086833-G-T. GRCh37 (hg19) VCF-style: chr19-18197643-G-T.
Other names: c.111C>A, p.Tyr37Ter (NM_001290024.2); c.-10C>A (NM_153701.3, NM_001290023.2); short protein forms Y37*.
Identifiers: ClinVar variation 2585220 (VCV002585220.1), dbSNP rs756272627, ClinGen allele CA9305404.